The following is an entry in ClinVar:

ClinVar aggregate classification (germline): Benign (1 of 4 stars; one submission).

Conditions:
Juvenile polyposis/hereditary hemorrhagic telangiectasia syndrome (JPHT). Also called: JP/HHT SYNDROME; JUVENILE POLYPOSIS WITH HEREDITARY HEMORRHAGIC TELANGIECTASIA; POLYPOSIS, GENERALIZED JUVENILE, WITH PULMONARY ARTERIOVENOUS MALFORMATION; TELANGIECTASIA, HEREDITARY HEMORRHAGIC, WITH JUVENILE POLYPOSIS COLI; Juvenile Polyposis Syndrome / Hereditary Hemorrhagic Telangiectasia (JPS/HHT). Identifiers: Orphanet 2929, MedGen C1832942, MONDO:0008278, OMIM 175050.

Submission:

Myriad Genetics, Inc.
Classification: Benign for Juvenile polyposis/hereditary hemorrhagic telangiectasia syndrome. Last evaluated: 2025-03-20. Review status: criteria provided, single submitter. Criteria: Myriad Autosomal Dominant, Autosomal Recessive and X-Linked Classification Criteria (2023). Collection method: clinical testing. Allele origin: unknown.
Comment: This variant is considered benign. This variant is a silent/synonymous amino acid change and it is not expected to impact splicing.

NM_005359.6(SMAD4):c.1047T>C (p.Thr349=)

Gene: SMAD4 (SMAD family member 4; plus strand). Cytogenetic location: 18q21.2.
Variant type: single nucleotide variant.
Coding change: c.1047T>C on transcript NM_005359.6 (MANE Select); coding-DNA position 1047, T replaced by C.
Protein change: p.Thr349=; no amino-acid change (threonine 349 retained).
Molecular consequence: synonymous variant. On other transcripts: non-coding transcript variant (2).
Genome position (GRCh38, 1-based): chr18:51,065,514, T>C. VCF-style: chr18-51065514-T-C. GRCh37 (hg19) VCF-style: chr18-48591884-T-C.
Other names: c.1047T>C, p.Thr349= (NM_001407041.1, NM_001407042.1, NM_001407043.1).
Identifiers: ClinVar variation 3903702 (VCV003903702.1).